The following is an entry in ClinVar:

NM_000245.4(MET):c.1029C>T (p.Phe343=)

Gene: MET (MET proto-oncogene, receptor tyrosine kinase; plus strand). Cytogenetic location: 7q31.2.
Variant type: single nucleotide variant.
Coding change: c.1029C>T on transcript NM_000245.4 (MANE Select); coding-DNA position 1029, C replaced by T.
Protein change: p.Phe343=; no amino-acid change (phenylalanine 343 retained).
Molecular consequence: synonymous variant. On other transcripts: intron variant (1).
Genome position (GRCh38, 1-based): chr7:116,700,113, C>T. VCF-style: chr7-116700113-C-T. GRCh37 (hg19) VCF-style: chr7-116340167-C-T.
Other names: c.1029C>T, p.Phe343= (NM_001127500.3, NM_001324401.3); c.-91+27536C>T (NM_001324402.2).
Identifiers: ClinVar variation 454174 (VCV000454174.20), dbSNP rs56340719, ClinGen allele CA164889347.

ClinVar aggregate classification (germline): Benign/Likely benign. Review status: criteria provided, multiple submitters, no conflicts (2 of 4 stars). 4 submissions from 4 submitters: Benign (1); Likely benign (3). Last evaluated 2026-01-14.

Conditions:
Renal cell carcinoma. Identifiers: Orphanet 217071, MedGen C0007134, MeSH D002292, MONDO:0005086, HP:0005584.
Hereditary cancer-predisposing syndrome. Also called: Hereditary Cancer Syndrome; Hereditary neoplastic syndrome; Neoplastic Syndromes, Hereditary; Tumor predisposition. Identifiers: Orphanet 140162, MedGen C0027672, MeSH D009386, MONDO:0015356.
Papillary renal cell carcinoma type 1 (RCCP1). Also called: Renal adenocarcinoma; Renal cell carcinoma 1; Renal cell carcinoma, somatic; RENAL CELL CARCINOMA, PAPILLARY, 1, SOMATIC. Identifiers: Orphanet 47044, MedGen C1336839, OMIM 605074, HP:0011797.

gnomAD v4.1: 11 of 1,608,618 alleles (0.00068%); highest among the groups gnomAD compares: East Asian, 0.0022%; no homozygotes.

Submissions (4):

Labcorp Genetics (formerly Invitae), Labcorp
Classification: Likely benign for Renal cell carcinoma. Last evaluated: 2026-01-14. Review status: criteria provided, single submitter. Criteria: Invitae Variant Classification Sherloc (09022015). Collection method: clinical testing. Allele origin: germline.

Myriad Genetics, Inc.
Classification: Benign for Papillary renal cell carcinoma type 1. Last evaluated: 2024-11-07. Review status: criteria provided, single submitter. Criteria: Myriad Autosomal Dominant, Autosomal Recessive and X-Linked Classification Criteria (2023). Collection method: clinical testing. Allele origin: unknown.
Comment: This variant is considered benign. This variant is a silent/synonymous amino acid change and it is not expected to impact splicing.

GeneDx
Classification: Likely benign. Last evaluated: 2021-05-06. Review status: criteria provided, single submitter. Criteria: GeneDx Variant Classification Process June 2021. Collection method: clinical testing. Allele origin: germline. Affected: yes.

Ambry Genetics
Classification: Likely benign for Hereditary cancer-predisposing syndrome. Last evaluated: 2018-01-17. Review status: criteria provided, single submitter. Criteria: Ambry Variant Classification Scheme 2023. Collection method: clinical testing. Allele origin: germline.